The following is an entry in ClinVar:

NM_021913.5(AXL):c.90G>A (p.Thr30=)

Gene: AXL (AXL receptor tyrosine kinase; plus strand). Cytogenetic location: 19q13.2.
Variant type: single nucleotide variant.
Coding change: c.90G>A on transcript NM_021913.5 (MANE Select); coding-DNA position 90, G replaced by A.
Protein change: p.Thr30=; no amino-acid change (threonine 30 retained).
Molecular consequence: synonymous variant.
Genome position (GRCh38, 1-based): chr19:41,220,640, G>A. VCF-style: chr19-41220640-G-A. GRCh37 (hg19) VCF-style: chr19-41726545-G-A.
Other names: c.90G>A (NM_021913.4); c.90G>A, p.Thr30= (NM_001699.6).
Identifiers: ClinVar variation 2894570 (VCV002894570.5), dbSNP rs201764420, ClinGen allele CA9457851.

ClinVar aggregate classification (germline): Likely benign. Review status: criteria provided, single submitter (1 of 4 stars). 2 submissions from 2 submitters: Likely benign (1). 1 of the submissions does not count toward it. Last evaluated 2023-01-13.

Conditions:
AXL-related disorder. Also called: AXL-related condition.

Allele frequency attached by ClinVar (database versions not stated): ExAC 0.00008; 1000 Genomes Project 30x 0.00016; 1000 Genomes Project 0.00020.
gnomAD v4.1: 48 of 1,572,080 alleles (0.0031%); highest among the groups gnomAD compares: African/African-American, 0.038%; no homozygotes.

Submissions (2):

Labcorp Genetics (formerly Invitae), Labcorp
Classification: Likely benign. Last evaluated: 2023-01-13. Review status: criteria provided, single submitter. Criteria: Invitae Variant Classification Sherloc (09022015). Collection method: clinical testing. Allele origin: germline.

PreventionGenetics, part of Exact Sciences
Classification: Likely benign for AXL-related condition. Last evaluated: 2019-08-26. Review status: no assertion criteria provided. Collection method: clinical testing. Allele origin: germline. Not counted in ClinVar's aggregate classification.
Comment: This variant is classified as likely benign based on ACMG/AMP sequence variant interpretation guidelines (Richards et al. 2015 PMID: 25741868, with internal and published modifications).